The following is an entry in ClinVar:

NM_000038.6(APC):c.2336T>C (p.Leu779Ser)

Gene: APC (APC regulator of Wnt signaling pathway; plus strand). Cytogenetic location: 5q22.2.
Variant type: single nucleotide variant.
Coding change: c.2336T>C on transcript NM_000038.6 (MANE Select); coding-DNA position 2336, T replaced by C.
Protein change: p.Leu779Ser; replaces leucine 779 with serine.
Molecular consequence: missense variant. On other transcripts: non-coding transcript variant (2).
Genome position (GRCh38, 1-based): chr5:112,837,930, T>C. VCF-style: chr5-112837930-T-C. GRCh37 (hg19) VCF-style: chr5-112173627-T-C.
Other names: c.2336T>C, p.Leu779Ser (NM_001127510.3, NM_001354895.2, NM_001407450.1); c.2282T>C, p.Leu761Ser (NM_001127511.3); c.2390T>C, p.Leu797Ser (NM_001354896.2, NM_001407447.1, NM_001407448.1 and 1 more transcripts); c.2366T>C, p.Leu789Ser (NM_001354897.2); c.2261T>C, p.Leu754Ser (NM_001354898.2); c.2252T>C, p.Leu751Ser (NM_001354899.2); c.2213T>C, p.Leu738Ser (NM_001354900.2); c.2159T>C, p.Leu720Ser (NM_001354901.2, NM_001407453.1); and 11 more; short protein forms L653S, L738S, L754S, L807S, L619S, L696S, L720S, L779S.
Identifiers: ClinVar variation 2774826 (VCV002774826.2), dbSNP rs1561576302, ClinGen allele CA16026458.

ClinVar aggregate classification (germline): Uncertain significance (1 of 4 stars; one submission).

Conditions:
Hereditary cancer-predisposing syndrome. Also called: Neoplastic Syndromes, Hereditary; Tumor predisposition; Hereditary Cancer Syndrome; Hereditary neoplastic syndrome. Identifiers: Orphanet 140162, MedGen C0027672, MeSH D009386, MONDO:0015356.

Submission:

Color Diagnostics, LLC DBA Color Health
Classification: Uncertain significance for Hereditary cancer-predisposing syndrome. Last evaluated: 2023-06-14. Review status: criteria provided, single submitter. Criteria: ACMG Guidelines, 2015. Collection method: clinical testing. Allele origin: germline.
Comment: This missense variant replaces leucine with serine at codon 779 of the APC protein. Computational prediction suggests that this variant may not impact protein structure and function (internally defined REVEL score threshold <= 0.5, PMID: 27666373). To our knowledge, functional studies have not been reported for this variant. This variant has not been reported in individuals affected with APC-related disorders in the literature. This variant has not been identified in the general population by the Genome Aggregation Database (gnomAD). The available evidence is insufficient to determine the role of this variant in disease conclusively. Therefore, this variant is classified as a Variant of Uncertain Significance.